The following is an entry in ClinVar:

ClinVar aggregate classification (germline): Uncertain significance (1 of 4 stars; one submission).

Conditions:
Bardet-Biedl syndrome (BBS). Identifiers: Orphanet 110, MedGen C0752166, MONDO:0015229.

Submission:

Labcorp Genetics (formerly Invitae), Labcorp
Classification: Uncertain significance for Bardet-Biedl syndrome. Last evaluated: 2021-05-31. Review status: criteria provided, single submitter. Criteria: Invitae Variant Classification Sherloc (09022015). Collection method: clinical testing. Allele origin: germline.
Comment: This sequence change falls in intron 5 of the BBS4 gene. It does not directly change the encoded amino acid sequence of the BBS4 protein. It affects a nucleotide within the consensus splice site of the intron. This variant is not present in population databases (ExAC no frequency). This variant has been observed in individual(s) with clinical features of Bardet-Biedl syndrome (Invitae). Nucleotide substitutions within the consensus splice site are a relatively common cause of aberrant splicing (PMID: 17576681, 9536098). Algorithms developed to predict the effect of sequence changes on RNA splicing suggest that this variant may disrupt the consensus splice site, but this prediction has not been confirmed by published transcriptional studies. In summary, the available evidence is currently insufficient to determine the role of this variant in disease. Therefore, it has been classified as a Variant of Uncertain Significance.

Literature cited by the submitters: PubMed 17576681; PubMed 9536098.

NM_033028.5(BBS4):c.332+2dup

Gene: BBS4 (Bardet-Biedl syndrome 4; plus strand). Cytogenetic location: 15q24.1.
Variant type: Duplication.
Coding change: c.332+2dup on transcript NM_033028.5 (MANE Select); the canonical splice donor site of the intron after coding-DNA position 332, one base duplicated (T; older notation c.332+2dupT).
Molecular consequence: splice donor variant.
Genome position (GRCh38, 1-based): chr15:72,715,404, T duplicated. VCF-style (leftmost placement, unchanged base first): chr15-72715403-G-GT. GRCh37 (hg19) VCF-style: chr15-73007744-G-GT.
Other names: c.332+2dup (NM_001320665.2); c.-190+2dup (NM_001252678.2).
Identifiers: ClinVar variation 1495475 (VCV001495475.8), dbSNP rs753360929, ClinGen allele CA618764744.